The following is an entry in ClinVar:

ClinVar aggregate classification (germline): not provided (0 of 4 stars; one submission).

Conditions:
Blau syndrome (BLAUS). Also called: ARTHROCUTANEOUVEAL GRANULOMATOSIS; GRANULOMATOSIS, FAMILIAL JUVENILE SYSTEMIC; GRANULOMATOSIS, FAMILIAL, BLAU TYPE; GRANULOMATOUS INFLAMMATORY ARTHRITIS, DERMATITIS, AND UVEITIS, FAMILIAL; JABS SYNDROME. Identifiers: Orphanet 90340, MedGen C5201146, MONDO:0008523, OMIM 186580.

Allele frequency attached by ClinVar (database versions not stated): gnomAD exomes below 0.00001.

Submission:

Unité médicale des maladies autoinflammatoires, CHRU Montpellier
No classification provided. Condition: Sarcoidosis, early-onset. Review status: no classification provided. Collection method: not provided. Allele origin: unknown.
Comment: also involved in OMIM 186580 and 266600

NM_001370466.1(NOD2):c.984G>A (p.Trp328Ter)

Gene: NOD2 (nucleotide binding oligomerization domain containing 2; plus strand). Cytogenetic location: 16q12.1.
Variant type: single nucleotide variant.
Coding change: c.984G>A on transcript NM_001370466.1 (MANE Select); coding-DNA position 984, G replaced by A.
Protein change: p.Trp328Ter; replaces tryptophan 328 with a stop codon.
Molecular consequence: nonsense. On other transcripts: non-coding transcript variant (1).
Genome position (GRCh38, 1-based): chr16:50,710,976, G>A. VCF-style: chr16-50710976-G-A. GRCh37 (hg19) VCF-style: chr16-50744887-G-A.
Other names: c.1065G>A (LRG_177t1); c.984G>A, p.Trp328Ter (NM_001293557.2); c.1065G>A, p.Trp355Ter (NM_022162.3); short protein forms W355*, W328*.
Identifiers: ClinVar variation 97818 (VCV000097818.1), dbSNP rs104895488, ClinGen allele CA150166.